The following is an entry in ClinVar:

NC_000002.11:g.(?_74691603)_(74692374_?)dup

Gene: MOGS (mannosyl-oligosaccharide glucosidase; minus strand). Cytogenetic location: 2p13.1.
Variant type: Duplication.
Identifiers: ClinVar variation 1411519 (VCV001411519.4).

ClinVar aggregate classification (germline): Uncertain significance (1 of 4 stars; one submission).

Conditions:
MOGS-congenital disorder of glycosylation. Also called: CDG 2B; MOGS-CDG; CDG IIb; GLUCOSIDASE I DEFICIENCY. Identifiers: Orphanet 79330, MedGen C1853736, MONDO:0011629, OMIM 606056.

Submission:

Labcorp Genetics (formerly Invitae), Labcorp
Classification: Uncertain significance for MOGS-congenital disorder of glycosylation. Last evaluated: 2022-03-12. Review status: criteria provided, single submitter. Criteria: Invitae Variant Classification Sherloc (09022015). Collection method: clinical testing. Allele origin: germline.
Comment: This variant results in a copy number gain of the genomic region encompassing exon(s) 1-2 of the MOGS gene. This region includes the initiator codon of the gene. This copy number gain extends beyond the assayed region for this gene and therefore may encompass additional genes. As the precise location of this event is unknown, it may be in tandem or it may be located elsewhere in the genome. This variant has not been reported in the literature in individuals affected with MOGS-related conditions. In summary, the available evidence is currently insufficient to determine the role of this variant in disease. Therefore, it has been classified as a Variant of Uncertain Significance.